The following is an entry in ClinVar:

NM_015107.3(PHF8):c.1712T>C (p.Leu571Pro)

Gene: PHF8 (PHD finger protein 8; minus strand). Cytogenetic location: Xp11.22.
Variant type: single nucleotide variant.
Coding change: c.1712T>C on transcript NM_015107.3 (MANE Select); coding-DNA position 1712, T replaced by C.
Protein change: p.Leu571Pro; replaces leucine 571 with proline.
Molecular consequence: missense variant.
Genome position (GRCh38, 1-based): chrX:53,992,754, A>G on the plus strand (T>C on the coding strand, the complement: PHF8 is on the minus strand). VCF-style: chrX-53992754-A-G. GRCh37 (hg19) VCF-style: chrX-54019187-A-G.
Other names: c.1820T>C, p.Leu607Pro (NM_001184896.1, NM_001441097.1); c.1409T>C, p.Leu470Pro (NM_001184897.2); c.1712T>C, p.Leu571Pro (NM_001184898.2); c.1517T>C, p.Leu506Pro (NM_001441096.1, NM_001441098.1); short protein forms L470P, L506P, L571P, L607P.
Identifiers: ClinVar variation 4528094 (VCV004528094.1).

ClinVar aggregate classification (germline): Uncertain significance (1 of 4 stars; one submission).

gnomAD v4.1: 1 of 1,185,831 alleles (0.000084%); highest among the groups gnomAD compares: Non-Finnish European, 0.00011%; no homozygotes.

Submission:

GeneDx
Classification: Uncertain significance. Last evaluated: 2025-05-04. Review status: criteria provided, single submitter. Criteria: GeneDx Variant Classification Process June 2021. Collection method: clinical testing. Allele origin: germline. Affected: yes.
Comment: Not observed at significant frequency in large population cohorts (gnomAD); In silico analysis supports that this missense variant has a deleterious effect on protein structure/function; Has not been previously published as pathogenic or benign to our knowledge